The following is an entry in ClinVar:

ClinVar aggregate classification (germline): Benign (1 of 4 stars; one submission).

Conditions:
Pheochromocytoma. Also called: MAX-Related Hereditary Paraganglioma-Pheochromocytoma Syndrome. Identifiers: Orphanet 29072, MedGen C0031511, MONDO:0008233, OMIM 171300, HP:0002666.

Allele frequency attached by ClinVar (database versions not stated): gnomAD 0.00020 and 0.00026; TOPMed 0.00032; gnomAD exomes 0.00097; 1000 Genomes Project 30x 0.00109; 1000 Genomes Project 0.00140.
gnomAD v4.1: 112 of 233,060 alleles (0.048%); highest among the groups gnomAD compares: East Asian, 0.59%; no homozygotes.

Submission:

Illumina Laboratory Services, Illumina
Classification: Benign for Pheochromocytoma. Last evaluated: 2018-01-12. Review status: criteria provided, single submitter. Criteria: ICSL Variant Classification Criteria 13 December 2019. Collection method: clinical testing. Allele origin: germline.
Comment: This variant was observed in the ICSL laboratory as part of a predisposition screen in an ostensibly healthy population. It had not been previously curated by ICSL or reported in the Human Gene Mutation Database (HGMD: prior to June 1st, 2018), and was therefore a candidate for classification through an automated scoring system. Utilizing variant allele frequency, disease prevalence and penetrance estimates, and inheritance mode, an automated score was calculated to assess if this variant is too frequent to cause the disease. Based on the score and internal cut-off values, a variant classified as benign is not then subjected to further curation. The score for this variant resulted in a classification of benign for this disease.

NM_017849.4(TMEM127):c.*3569C>T

Gene: TMEM127 (transmembrane protein 127; minus strand). Cytogenetic location: 2q11.2.
Variant type: single nucleotide variant.
Coding change: c.*3569C>T on transcript NM_017849.4 (MANE Select); 3569 bases downstream of the stop codon, C replaced by T.
Molecular consequence: 3 prime UTR variant.
Genome position (GRCh38, 1-based): chr2:96,250,239, G>A on the plus strand (C>T on the coding strand, the complement: TMEM127 is on the minus strand). VCF-style: chr2-96250239-G-A. GRCh37 (hg19) VCF-style: chr2-96915977-G-A.
Other names: c.*3569C>T (NM_001193304.3).
Identifiers: ClinVar variation 337444 (VCV000337444.5), dbSNP rs140274612, ClinGen allele CA10616458.
Genomic context (GRCh38, chr2:96,250,239, plus strand): 5'-CTTCCTGGGCTCCTTCTGCTGTTAGTGCCTTAAATGAGCACCCCTCACCTTTCTAACCTC[G>A]GCTCTTACCACCTCCTGGCCACCAGTGTGCTTTTGCTCTTGCCATTCTCTCAGCAGGAGT-3'